The following is an entry in ClinVar:

NM_002303.6(LEPR):c.79C>G (p.Pro27Ala)

Gene: LEPR (leptin receptor; plus strand). Cytogenetic location: 1p31.3.
Variant type: single nucleotide variant.
Coding change: c.79C>G on transcript NM_002303.6 (MANE Select); coding-DNA position 79, C replaced by G.
Protein change: p.Pro27Ala; replaces proline 27 with alanine.
Molecular consequence: missense variant.
Genome position (GRCh38, 1-based): chr1:65,570,511, C>G. VCF-style: chr1-65570511-C-G. GRCh37 (hg19) VCF-style: chr1-66036194-C-G.
Other names: c.79C>G, p.Pro27Ala (NM_001003679.3, NM_001003680.3, NM_001198687.2 and 2 more transcripts); short protein forms P27A.
Identifiers: ClinVar variation 4985985 (VCV004985985.1).

ClinVar aggregate classification (germline): Uncertain significance (1 of 4 stars; one submission).

Conditions:
LEPR-related disorder. Also called: LEPR-related disorders; LEPR-related condition.

gnomAD v4.1: 16 of 1,613,698 alleles (0.00099%); highest among the groups gnomAD compares: South Asian, 0.0022%; no homozygotes.

Submission:

PreventionGenetics, part of Exact Sciences
Classification: Uncertain significance for LEPR-related condition. Last evaluated: 2026-01-26. Review status: criteria provided, single submitter. Criteria: ACMG Guidelines, 2015. Collection method: clinical testing. Allele origin: germline.
Comment: The LEPR c.79C>G variant is predicted to result in the amino acid substitution p.Pro27Ala. To our knowledge, this variant has not been reported in the literature. This variant is reported in 0.0033% of alleles in individuals of South Asian descent in gnomAD. At this time, the clinical significance of this variant is uncertain due to the absence of conclusive functional and genetic evidence.